The following is an entry in ClinVar:

NM_001378454.1(ALMS1):c.5931G>C (p.Lys1977Asn)

Gene: ALMS1 (ALMS1 centrosome and basal body associated protein; plus strand). Cytogenetic location: 2p13.1.
Variant type: single nucleotide variant.
Coding change: c.5931G>C on transcript NM_001378454.1 (MANE Select); coding-DNA position 5931, G replaced by C.
Protein change: p.Lys1977Asn; replaces lysine 1977 with asparagine.
Molecular consequence: missense variant.
Genome position (GRCh38, 1-based): chr2:73,452,458, G>C. VCF-style: chr2-73452458-G-C. GRCh37 (hg19) VCF-style: chr2-73679585-G-C.
Other names: c.5934G>C, p.Lys1978Asn (NM_015120.4); short protein forms K1978N, K1977N.
Identifiers: ClinVar variation 337017 (VCV000337017.6), dbSNP rs886056305, ClinGen allele CA10616149.
Genomic context (GRCh38, chr2:73,452,458, plus strand): 5'-CAGTCATCTCACAGAAGAGGCTCTGAAAGTTTCACCTGTTTCTATACCAGCAGAGCAGAA[G>C]ACTGGGATACCAATAGGACTGTCTAGTTCCTACTCACATTCACATAAAGAGAAACTCAAG-3'
Protein context (NP_001365383.1, residues 1967-1987): VSPVSIPAEQ[Lys1977Asn]TGIPIGLSSS

ClinVar aggregate classification (germline): Likely benign (1 of 4 stars; one submission).

Conditions:
ALMS1-related disorder. Also called: ALMS1-related condition.

Submission:

PreventionGenetics, part of Exact Sciences
Classification: Likely benign for ALMS1-related condition. Last evaluated: 2023-08-24. Review status: criteria provided, single submitter. Criteria: ACMG Guidelines, 2015. Collection method: clinical testing. Allele origin: germline.
Comment: This variant is classified as likely benign based on ACMG/AMP sequence variant interpretation guidelines (Richards et al. 2015 PMID: 25741868, with internal and published modifications).